The following is an entry in ClinVar:

NM_001253852.3(AP4B1):c.2066C>T (p.Thr689Ile)

Genes: AP4B1 (adaptor related protein complex 4 subunit beta 1; minus strand), AP4B1-AS1 (AP4B1 antisense RNA 1; plus strand). Cytogenetic location: 1p13.2.
Variant type: single nucleotide variant.
Coding change: c.2066C>T on transcript NM_001253852.3 (MANE Select); coding-DNA position 2066, C replaced by T.
Protein change: p.Thr689Ile; replaces threonine 689 with isoleucine.
Molecular consequence: missense variant.
Genome position (GRCh38, 1-based): chr1:113,895,219, G>A on the plus strand (C>T on the coding strand, the complement: AP4B1 is on the minus strand). VCF-style: chr1-113895219-G-A. GRCh37 (hg19) VCF-style: chr1-114437841-G-A.
Other names: c.1769C>T, p.Thr590Ile (NM_001253853.3); c.1562C>T, p.Thr521Ile (NM_001308312.2); c.2066C>T, p.Thr689Ile (NM_006594.5); short protein forms T521I, T590I, T689I.
Identifiers: ClinVar variation 1450631 (VCV001450631.7), dbSNP rs768141876, ClinGen allele CA28994838.
Genomic context (GRCh38, chr1:113,895,219, plus strand): 5'-GAGATCTGCATTTCTGAGTTTCCAGGCTCCAATAGCAGTTCTGTTAAGAACAGACAGCCA[G>A]TATCATCCTGAGCACTGAGGTATGCTTTCCATGGCCGAGACCCAGCCCTACTCATTGCGA-3'
Protein context (NP_001240781.1, residues 679-699): WKAYLSAQDD[Thr689Ile]GCLFLTELLL

ClinVar aggregate classification (germline): Uncertain significance (1 of 4 stars; one submission).

Conditions:
Hereditary spastic paraplegia 47. Also called: CEREBRAL PALSY, SPASTIC QUADRIPLEGIC, 5; adaptor protein 4 (AP-4) deficiency syndrome; Spastic paraplegia 47, autosomal recessive. Identifiers: Orphanet 280763, MedGen C3279738, MONDO:0013551, OMIM 614066.

Allele frequency attached by ClinVar (database versions not stated): gnomAD 0.00001; gnomAD exomes 0.00002; TOPMed 0.00003.
gnomAD v4.1: 13 of 1,614,092 alleles (0.00081%); highest among the groups gnomAD compares: Admixed American, 0.018%; no homozygotes.

Submission:

Labcorp Genetics (formerly Invitae), Labcorp
Classification: Uncertain significance for Hereditary spastic paraplegia 47. Last evaluated: 2022-03-27. Review status: criteria provided, single submitter. Criteria: Invitae Variant Classification Sherloc (09022015). Collection method: clinical testing. Allele origin: germline.
Comment: In summary, the available evidence is currently insufficient to determine the role of this variant in disease. Therefore, it has been classified as a Variant of Uncertain Significance. Algorithms developed to predict the effect of missense changes on protein structure and function (SIFT, PolyPhen-2, Align-GVGD) all suggest that this variant is likely to be tolerated. This variant has not been reported in the literature in individuals affected with AP4B1-related conditions. This variant is present in population databases (rs768141876, gnomAD 0.02%). This sequence change replaces threonine, which is neutral and polar, with isoleucine, which is neutral and non-polar, at codon 689 of the AP4B1 protein (p.Thr689Ile).